The following is an entry in ClinVar:

ClinVar aggregate classification (germline): Uncertain significance (1 of 4 stars; one submission).

Conditions:
Cortical dysplasia-focal epilepsy syndrome (PTHSL1). Also called: Pitt-Hopkins-like syndrome 1. Identifiers: Orphanet 163681, Orphanet 221150, MedGen C2750246, MONDO:0012400, OMIM 610042.

Allele frequency attached by ClinVar (database versions not stated): gnomAD exomes below 0.00001; ExAC 0.00002.
gnomAD v4.1: 3 of 1,613,810 alleles (0.00019%); highest among the groups gnomAD compares: Non-Finnish European, 0.000085%; no homozygotes.

Submission:

Labcorp Genetics (formerly Invitae), Labcorp
Classification: Uncertain significance for Cortical dysplasia-focal epilepsy syndrome. Last evaluated: 2022-06-30. Review status: criteria provided, single submitter. Criteria: Invitae Variant Classification Sherloc (09022015). Collection method: clinical testing. Allele origin: germline.
Comment: This sequence change replaces glycine, which is neutral and non-polar, with serine, which is neutral and polar, at codon 929 of the CNTNAP2 protein (p.Gly929Ser). This variant is present in population databases (rs755351132, gnomAD 0.009%). This variant has not been reported in the literature in individuals affected with CNTNAP2-related conditions. Algorithms developed to predict the effect of missense changes on protein structure and function (SIFT, PolyPhen-2, Align-GVGD) all suggest that this variant is likely to be disruptive. In summary, the available evidence is currently insufficient to determine the role of this variant in disease. Therefore, it has been classified as a Variant of Uncertain Significance.

NM_014141.6(CNTNAP2):c.2785G>A (p.Gly929Ser)

Genes: CNTNAP2 (contactin associated protein 2; plus strand), LOC126860216 (BRD4-independent group 4 enhancer GRCh37_chr7:147868766-147869965; plus strand). Cytogenetic location: 7q35.
Variant type: single nucleotide variant.
Coding change: c.2785G>A on transcript NM_014141.6 (MANE Select); coding-DNA position 2785, G replaced by A.
Protein change: p.Gly929Ser; replaces glycine 929 with serine.
Molecular consequence: missense variant.
Genome position (GRCh38, 1-based): chr7:148,172,253, G>A. VCF-style: chr7-148172253-G-A. GRCh37 (hg19) VCF-style: chr7-147869345-G-A.
Other names: short protein forms G929S.
Identifiers: ClinVar variation 1903066 (VCV001903066.5), dbSNP rs755351132, ClinGen allele CA4546483.